The following is an entry in ClinVar:

ClinVar aggregate classification (germline): Uncertain significance (1 of 4 stars; one submission).

Conditions:
Hereditary breast ovarian cancer syndrome. Also called: Hereditary breast and ovarian cancer syndrome (HBOC); Breast and ovarian cancer; Hereditary breast and ovarian cancer; Hereditary breast and ovarian cancer syndrome; BRCA1- and BRCA2-Associated Hereditary Breast and Ovarian Cancer; Hereditary breast and/or ovarian cancer syndrome. Identifiers: Orphanet 145, MedGen C0677776, MeSH D061325, MONDO:0003582. Disease mechanism: loss of function.

Submission:

Labcorp Genetics (formerly Invitae), Labcorp
Classification: Uncertain significance for Hereditary breast ovarian cancer syndrome. Last evaluated: 2023-11-09. Review status: criteria provided, single submitter. Criteria: Invitae Variant Classification Sherloc (09022015). Collection method: clinical testing. Allele origin: germline.
Comment: This sequence change replaces asparagine, which is neutral and polar, with threonine, which is neutral and polar, at codon 555 of the BRCA1 protein (p.Asn555Thr). This variant is not present in population databases (gnomAD no frequency). This variant has not been reported in the literature in individuals affected with BRCA1-related conditions. Advanced modeling of protein sequence and biophysical properties (such as structural, functional, and spatial information, amino acid conservation, physicochemical variation, residue mobility, and thermodynamic stability) performed at Invitae indicates that this missense variant is not expected to disrupt BRCA1 protein function with a negative predictive value of 95%. In summary, the available evidence is currently insufficient to determine the role of this variant in disease. Therefore, it has been classified as a Variant of Uncertain Significance.

NM_007294.4(BRCA1):c.1664A>C (p.Asn555Thr)

Gene: BRCA1 (BRCA1 DNA repair associated; minus strand). Cytogenetic location: 17q21.31.
Variant type: single nucleotide variant.
Coding change: c.1664A>C on transcript NM_007294.4 (MANE Select); coding-DNA position 1664, A replaced by C.
Protein change: p.Asn555Thr; replaces asparagine 555 with threonine.
Molecular consequence: missense variant. On other transcripts: intron variant (137).
Genome position (GRCh38, 1-based): chr17:43,093,867, T>G on the plus strand (A>C on the coding strand, the complement: BRCA1 is on the minus strand). VCF-style: chr17-43093867-T-G. GRCh37 (hg19) VCF-style: chr17-41245884-T-G.
Other names: c.523+877A>C (NM_001408497.1, NM_001408496.1, NM_001408498.1 and 3 more transcripts); c.787+877A>C (NM_001407973.1, NM_001407980.1, NM_001407993.1 and 19 more transcripts); c.404-2835A>C (NM_001408511.1); c.646+877A>C (NM_001408457.1, NM_001408460.1, NM_001408454.1 and 11 more transcripts); c.520+877A>C (NM_001408505.1, NM_001408503.1, NM_001408504.1); c.460+1979A>C (NM_001408507.1, NM_001408506.1); c.706+877A>C (NM_001408413.1, NM_001408416.1); c.586+877A>C (NM_001408476.1, NM_001408474.1); and 40 more; short protein forms N428T, N443T, N467T, N487T, N508T, N528T, N554T, N387T.
Identifiers: ClinVar variation 2694476 (VCV002694476.3), dbSNP rs2154431398, ClinGen allele CA10598707.